The following is an entry in ClinVar:

NM_002900.3(RBP3):c.3602C>T (p.Ser1201Leu)

Gene: RBP3 (retinol binding protein 3; plus strand). Cytogenetic location: 10q11.22.
Variant type: single nucleotide variant.
Coding change: c.3602C>T on transcript NM_002900.3 (MANE Select); coding-DNA position 3602, C replaced by T.
Protein change: p.Ser1201Leu; replaces serine 1201 with leucine.
Molecular consequence: missense variant.
Genome position (GRCh38, 1-based): chr10:47,357,315, C>T. VCF-style: chr10-47357315-C-T. GRCh37 (hg19) VCF-style: chr10-48382047-G-A.
Other names: short protein forms S1201L.
Identifiers: ClinVar variation 847566 (VCV000847566.10), dbSNP rs1375634622, ClinGen allele CA376677626.

ClinVar aggregate classification (germline): Uncertain significance. Review status: criteria provided, multiple submitters, no conflicts (2 of 4 stars). 2 submissions from 2 submitters: Uncertain significance (2). Last evaluated 2025-04-09.

Conditions:
Inborn genetic diseases. Identifiers: MedGen C0950123, MeSH D030342.

Allele frequency attached by ClinVar (database versions not stated): TOPMed 0.00001.
gnomAD v4.1: 6 of 1,614,134 alleles (0.00037%); highest among the groups gnomAD compares: South Asian, 0.0022%; no homozygotes.

Submissions (2):

Ambry Genetics
Classification: Uncertain significance for Inborn genetic diseases. Last evaluated: 2025-04-09. Review status: criteria provided, single submitter. Criteria: Ambry Variant Classification Scheme 2023. Collection method: clinical testing. Allele origin: germline.

Labcorp Genetics (formerly Invitae), Labcorp
Classification: Uncertain significance. Last evaluated: 2021-07-31. Review status: criteria provided, single submitter. Criteria: Invitae Variant Classification Sherloc (09022015). Collection method: clinical testing. Allele origin: germline.
Comment: In summary, the available evidence is currently insufficient to determine the role of this variant in disease. Therefore, it has been classified as a Variant of Uncertain Significance. Algorithms developed to predict the effect of missense changes on protein structure and function (SIFT, PolyPhen-2, Align-GVGD) all suggest that this variant is likely to be tolerated, but these predictions have not been confirmed by published functional studies and their clinical significance is uncertain. This variant has not been reported in the literature in individuals with RBP3-related conditions. This variant is not present in population databases (ExAC no frequency). This sequence change replaces serine with leucine at codon 1201 of the RBP3 protein (p.Ser1201Leu). The serine residue is weakly conserved and there is a large physicochemical difference between serine and leucine.